The following is an entry in ClinVar:

ClinVar aggregate classification (germline): Uncertain significance (1 of 4 stars; one submission).

Submission:

Labcorp Genetics (formerly Invitae), Labcorp
Classification: Uncertain significance. Last evaluated: 2024-12-16. Review status: criteria provided, single submitter. Criteria: Invitae Variant Classification Sherloc (09022015). Collection method: clinical testing. Allele origin: germline.
Comment: This sequence change replaces proline, which is neutral and non-polar, with histidine, which is basic and polar, at codon 415 of the GPAA1 protein (p.Pro415His). This variant is present in population databases (rs532789731, gnomAD 0.07%). This variant has not been reported in the literature in individuals affected with GPAA1-related conditions. An algorithm developed to predict the effect of missense changes on protein structure and function (PolyPhen-2) suggests that this variant is likely to be tolerated. In summary, the available evidence is currently insufficient to determine the role of this variant in disease. Therefore, it has been classified as a Variant of Uncertain Significance.

NM_003801.4(GPAA1):c.1244C>A (p.Pro415His)

Gene: GPAA1 (glycosylphosphatidylinositol anchor attachment 1; plus strand). Cytogenetic location: 8q24.3.
Variant type: single nucleotide variant.
Coding change: c.1244C>A on transcript NM_003801.4 (MANE Select); coding-DNA position 1244, C replaced by A.
Protein change: p.Pro415His; replaces proline 415 with histidine.
Molecular consequence: missense variant.
Genome position (GRCh38, 1-based): chr8:144,085,122, C>A. VCF-style: chr8-144085122-C-A. GRCh37 (hg19) VCF-style: chr8-145140025-C-A.
Other names: short protein forms P415H.
Identifiers: ClinVar variation 3719345 (VCV003719345.2).